The following is an entry in ClinVar:

NM_014727.3(KMT2B):c.2690C>T (p.Pro897Leu)

Gene: KMT2B (lysine methyltransferase 2B; plus strand). Cytogenetic location: 19q13.12.
Variant type: single nucleotide variant.
Coding change: c.2690C>T on transcript NM_014727.3 (MANE Select); coding-DNA position 2690, C replaced by T.
Protein change: p.Pro897Leu; replaces proline 897 with leucine.
Molecular consequence: missense variant.
Genome position (GRCh38, 1-based): chr19:35,722,686, C>T. VCF-style: chr19-35722686-C-T. GRCh37 (hg19) VCF-style: chr19-36213588-C-T.
Other names: short protein forms P897L.
Identifiers: ClinVar variation 5017332 (VCV005017332.1).

ClinVar aggregate classification (germline): Uncertain significance (1 of 4 stars; one submission).

Submission:

GeneDx
Classification: Uncertain significance. Last evaluated: 2026-03-23. Review status: criteria provided, single submitter. Criteria: GeneDx Variant Classification Process June 2021. Collection method: clinical testing. Allele origin: germline.
Comment: Not observed at significant frequency in large population cohorts (gnomAD); In silico analysis supports that this missense variant has a deleterious effect on protein structure/function; Has not been previously published as pathogenic or benign to our knowledge